The following is an entry in ClinVar:

ClinVar aggregate classification (germline): Uncertain significance (1 of 4 stars; one submission).

Submission:

Women's Health and Genetics/Laboratory Corporation of America, LabCorp
Classification: Uncertain significance. Last evaluated: 2025-12-31. Review status: criteria provided, single submitter. Criteria: LabCorp Variant Classification Summary - May 2015. Collection method: clinical testing. Allele origin: germline.
Comment: Variant summary: SERPINA1 c.1174A>G (p.Lys392Glu) results in a conservative amino acid change in the encoded protein sequence. Algorithms developed to predict the effect of missense changes on protein structure and function all suggest that this variant is likely to be tolerated. The variant was absent in 251468 control chromosomes (gnomAD). To our knowledge, c.1174A>G has not been observed in individuals affected with Alpha-1-Antitrypsin Deficiency. At least one publication reports experimental evidence evaluating an impact on protein function. The most pronounced variant effect results in 10%-<30% of normal secretion (Fra_2012). The following publication has been ascertained in the context of this evaluation (PMID: 22723858). No submitters have cited clinical-significance assessments for this variant to ClinVar. Based on the evidence outlined above, the variant was classified as VUS-possibly pathogenic.

Literature cited by the submitters: PubMed 22723858.

NM_000295.5(SERPINA1):c.1174A>G (p.Lys392Glu)

Gene: SERPINA1 (serpin family A member 1; minus strand). Cytogenetic location: 14q32.13.
Variant type: single nucleotide variant.
Coding change: c.1174A>G on transcript NM_000295.5 (MANE Select); coding-DNA position 1174, A replaced by G.
Protein change: p.Lys392Glu; replaces lysine 392 with glutamic acid.
Molecular consequence: missense variant.
Genome position (GRCh38, 1-based): chr14:94,378,532, T>C on the plus strand (A>G on the coding strand, the complement: SERPINA1 is on the minus strand). VCF-style: chr14-94378532-T-C. GRCh37 (hg19) VCF-style: chr14-94844869-T-C.
Other names: c.1174A>G, p.Lys392Glu (NM_001002235.3, NM_001002236.3, NM_001127700.2 and 7 more transcripts); short protein forms K392E.
Identifiers: ClinVar variation 4688303 (VCV004688303.1).